The following is an entry in ClinVar:

ClinVar aggregate classification (germline): Uncertain significance (1 of 4 stars; one submission).

Conditions:
Glycogen storage disease IV, classic hepatic. Also called: GSD IV, CLASSIC HEPATIC. Identifiers: MedGen C1856301.
Glycogen storage disease, type IV (GSD4). Also called: BRANCHER DEFICIENCY; AMYLOPECTINOSIS; ANDERSEN DISEASE; CIRRHOSIS, FAMILIAL, WITH DEPOSITION OF ABNORMAL GLYCOGEN; GBE1 DEFICIENCY; GLYCOGEN BRANCHING ENZYME DEFICIENCY. Identifiers: Orphanet 367, MedGen C0017923, MONDO:0009292, OMIM 232500.

Allele frequency attached by ClinVar (database versions not stated): gnomAD exomes below 0.00001; gnomAD 0.00001.
gnomAD v4.1: 3 of 1,596,386 alleles (0.00019%); highest among the groups gnomAD compares: Admixed American, 0.0018%; no homozygotes.

Submission:

Labcorp Genetics (formerly Invitae), Labcorp
Classification: Uncertain significance for Glycogen storage disease, type IV; Glycogen storage disease IV, classic hepatic. Last evaluated: 2022-09-27. Review status: criteria provided, single submitter. Criteria: Invitae Variant Classification Sherloc (09022015). Collection method: clinical testing. Allele origin: germline.
Comment: This sequence change replaces glutamic acid, which is acidic and polar, with glycine, which is neutral and non-polar, at codon 96 of the GBE1 protein (p.Glu96Gly). This variant is not present in population databases (gnomAD no frequency). This variant has not been reported in the literature in individuals affected with GBE1-related conditions. ClinVar contains an entry for this variant (Variation ID: 1394501). Advanced modeling of protein sequence and biophysical properties (such as structural, functional, and spatial information, amino acid conservation, physicochemical variation, residue mobility, and thermodynamic stability) performed at Invitae indicates that this missense variant is not expected to disrupt GBE1 protein function. In summary, the available evidence is currently insufficient to determine the role of this variant in disease. Therefore, it has been classified as a Variant of Uncertain Significance.

NM_000158.4(GBE1):c.287A>G (p.Glu96Gly)

Gene: GBE1 (1,4-alpha-glucan branching enzyme 1; minus strand). Cytogenetic location: 3p12.2.
Variant type: single nucleotide variant.
Coding change: c.287A>G on transcript NM_000158.4 (MANE Select); coding-DNA position 287, A replaced by G.
Protein change: p.Glu96Gly; replaces glutamic acid 96 with glycine.
Molecular consequence: missense variant.
Genome position (GRCh38, 1-based): chr3:81,705,470, T>C on the plus strand (A>G on the coding strand, the complement: GBE1 is on the minus strand). VCF-style: chr3-81705470-T-C. GRCh37 (hg19) VCF-style: chr3-81754621-T-C.
Other names: short protein forms E96G.
Identifiers: ClinVar variation 1394501 (VCV001394501.5), dbSNP rs1705760375, ClinGen allele CA353687655.